The following is an entry in ClinVar:

ClinVar aggregate classification (germline): Uncertain significance (1 of 4 stars; one submission).

Conditions:
Inborn genetic diseases. Identifiers: MedGen C0950123, MeSH D030342.

gnomAD v4.1: 3 of 1,613,584 alleles (0.00019%); highest among the groups gnomAD compares: Non-Finnish European, 0.00025%; no homozygotes.

Submission:

Ambry Genetics
Classification: Uncertain significance for Inborn genetic diseases. Last evaluated: 2026-01-24. Review status: criteria provided, single submitter. Criteria: Ambry Variant Classification Scheme 2023. Collection method: clinical testing. Allele origin: germline.
Comment: The p.G1021D variant (also known as c.3062G>A), located in coding exon 14 of the MECOM gene, results from a G to A substitution at nucleotide position 3062. The glycine at codon 1021 is replaced by aspartic acid, an amino acid with similar properties. This amino acid position is conserved. In addition, this alteration is predicted to be tolerated by in silico analysis. Based on the available evidence, the clinical significance of this variant remains unclear.

NM_004991.4(MECOM):c.3062G>A (p.Gly1021Asp)

Gene: MECOM (MDS1 and EVI1 complex locus; minus strand). Cytogenetic location: 3q26.2.
Variant type: single nucleotide variant.
Coding change: c.3062G>A on transcript NM_004991.4 (MANE Select); coding-DNA position 3062, G replaced by A.
Protein change: p.Gly1021Asp; replaces glycine 1021 with aspartic acid.
Molecular consequence: missense variant.
Genome position (GRCh38, 1-based): chr3:169,093,060, C>T on the plus strand (G>A on the coding strand, the complement: MECOM is on the minus strand). VCF-style: chr3-169093060-C-T. GRCh37 (hg19) VCF-style: chr3-168810848-C-T.
Other names: c.2693G>A, p.Gly898Asp (NM_001105077.4); c.2498G>A, p.Gly833Asp (NM_001105078.4, NM_001205194.2, NM_001366469.2 and 1 more transcripts); c.2474G>A, p.Gly825Asp (NM_001163999.2, NM_001366470.2); c.2471G>A, p.Gly824Asp (NM_001164000.2, NM_001366471.2, NM_001366472.2); c.3035G>A, p.Gly1012Asp (NM_001366466.2); c.2501G>A, p.Gly834Asp (NM_001366467.2, NM_001366468.2); c.2063G>A, p.Gly688Asp (NM_001366473.2); c.1499G>A, p.Gly500Asp (NM_001366474.2); short protein forms G1012D, G833D, G834D, G898D, G1021D, G824D, G825D, G688D.
Identifiers: ClinVar variation 4824298 (VCV004824298.1).